The following is an entry in ClinVar:

ClinVar aggregate classification (germline): Uncertain significance (1 of 4 stars; one submission).

Conditions:
Charcot-Marie-Tooth disease axonal type 2O. Also called: Charcot-Marie-Tooth Neuropathy Type 2O; CHARCOT-MARIE-TOOTH NEUROPATHY, AXONAL, TYPE 2O; CHARCOT-MARIE-TOOTH DISEASE, AXONAL, AUTOSOMAL DOMINANT, TYPE 2O; Charcot-Marie-Tooth disease, axonal, type 20. Identifiers: Orphanet 284232, MedGen C3280220, MONDO:0013644, OMIM 614228.

Submission:

Labcorp Genetics (formerly Invitae), Labcorp
Classification: Uncertain significance for Charcot-Marie-Tooth disease axonal type 2O. Last evaluated: 2025-12-30. Review status: criteria provided, single submitter. Criteria: Invitae Variant Classification Sherloc (09022015). Collection method: clinical testing. Allele origin: germline.
Comment: This sequence change replaces leucine, which is neutral and non-polar, with glycine, which is neutral and non-polar, at codon 2295 of the DYNC1H1 protein (p.Leu2295Gly). This variant is present in population databases (no rsID available, gnomAD 0.0007%). This variant has not been reported in the literature in individuals affected with DYNC1H1-related conditions. ClinVar contains an entry for this variant (Variation ID: 1413695). An algorithm developed to predict the effect of missense changes on protein structure and function (PolyPhen-2) suggests that this variant is likely to be tolerated. In summary, the available evidence is currently insufficient to determine the role of this variant in disease. Therefore, it has been classified as a Variant of Uncertain Significance.

NM_001376.5(DYNC1H1):c.6883_6884delinsGG (p.Leu2295Gly)

Gene: DYNC1H1 (dynein cytoplasmic 1 heavy chain 1; plus strand). Cytogenetic location: 14q32.31.
Variant type: Indel.
Coding change: c.6883_6884delinsGG on transcript NM_001376.5 (MANE Select); coding-DNA positions 6883 to 6884, CT replaced by GG.
Protein change: p.Leu2295Gly; replaces leucine 2295 with glycine.
Molecular consequence: missense variant.
Genome position (GRCh38, 1-based): chr14:102,012,339-102,012,340, CT replaced by GG. VCF-style: chr14-102012339-CT-GG. GRCh37 (hg19) VCF-style: chr14-102478676-CT-GG.
Other names: short protein forms L2295G.
Identifiers: ClinVar variation 1413695 (VCV001413695.8), dbSNP rs2152579373, ClinGen allele CA2573150395.
Genomic context (GRCh38, chr14:102,012,339, plus strand): 5'-TAATCAGCAGCTATTTTAAAATCCTTCCCAACCAGGATCATCGACAGCGTGAGAGGCGAG[CT>GG]GCAGAAGCGCCAGTGGATCGTCTTCGATGGCGATGTGGATCCAGAGTGGGTTGAGAACTT-3'
Protein context (NP_001367.2, residues 2285-2305): RKIIDSVRGE[Leu2295Gly]QKRQWIVFDG